The following is an entry in ClinVar:

NM_001199397.3(NEK1):c.3830A>G (p.Asp1277Gly)

Gene: NEK1 (NIMA related kinase 1; minus strand). Cytogenetic location: 4q33.
Variant type: single nucleotide variant.
Coding change: c.3830A>G on transcript NM_001199397.3 (MANE Select); coding-DNA position 3830, A replaced by G.
Protein change: p.Asp1277Gly; replaces aspartic acid 1277 with glycine.
Molecular consequence: missense variant. On other transcripts: non-coding transcript variant (1).
Genome position (GRCh38, 1-based): chr4:169,400,242, T>C on the plus strand (A>G on the coding strand, the complement: NEK1 is on the minus strand). VCF-style: chr4-169400242-T-C. GRCh37 (hg19) VCF-style: chr4-170321393-T-C.
Other names: c.3698A>G, p.Asp1233Gly (NM_001199398.3); c.3539A>G, p.Asp1180Gly (NM_001199399.3); c.3614A>G, p.Asp1205Gly (NM_001199400.3); c.3830A>G, p.Asp1277Gly (NM_001374418.1); c.3746A>G, p.Asp1249Gly (NM_001374419.1, NM_012224.4); c.3695A>G, p.Asp1232Gly (NM_001374420.1); c.3347A>G, p.Asp1116Gly (NM_001374421.1); short protein forms D1205G, D1249G, D1277G, D1116G, D1180G, D1232G, D1233G.
Identifiers: ClinVar variation 1366491 (VCV001366491.8), dbSNP rs1157065841, ClinGen allele CA358799656.

ClinVar aggregate classification (germline): Uncertain significance (1 of 4 stars; one submission).

Conditions:
Short-rib thoracic dysplasia 6 with or without polydactyly (SRTD6). Also called: Majewski Syndrome; SHORT-RIB THORACIC DYSPLASIA 6 WITH POLYDACTYLY; SHORT-RIB THORACIC DYSPLASIA 6 WITHOUT POLYDACTYLY; SHORT RIB-POLYDACTYLY SYNDROME, TYPE IIA; POLYDACTYLY WITH NEONATAL CHONDRODYSTROPHY, TYPE II. Identifiers: MedGen C0024507, MONDO:0009894, OMIM 263520.

Allele frequency attached by ClinVar (database versions not stated): gnomAD exomes below 0.00001; TOPMed below 0.00001; gnomAD 0.00001.
gnomAD v4.1: 3 of 1,580,360 alleles (0.00019%); highest among the groups gnomAD compares: Non-Finnish European, 0.00026%; no homozygotes.

Submission:

Labcorp Genetics (formerly Invitae), Labcorp
Classification: Uncertain significance for Short-rib thoracic dysplasia 6 with or without polydactyly. Last evaluated: 2021-04-13. Review status: criteria provided, single submitter. Criteria: Invitae Variant Classification Sherloc (09022015). Collection method: clinical testing. Allele origin: germline.
Comment: In summary, the available evidence is currently insufficient to determine the role of this variant in disease. Therefore, it has been classified as a Variant of Uncertain Significance. Algorithms developed to predict the effect of sequence changes on RNA splicing suggest that this variant may create or strengthen a splice site, but this prediction has not been confirmed by published transcriptional studies. Algorithms developed to predict the effect of missense changes on protein structure and function are either unavailable or do not agree on the potential impact of this missense change (SIFT: "Deleterious"; PolyPhen-2: "Probably Damaging"; Align-GVGD: "Class C0"). This variant has not been reported in the literature in individuals with NEK1-related conditions. This variant is not present in population databases (ExAC no frequency). This sequence change replaces aspartic acid with glycine at codon 1249 of the NEK1 protein (p.Asp1249Gly). The aspartic acid residue is highly conserved and there is a moderate physicochemical difference between aspartic acid and glycine.